The following is an entry in ClinVar:

ClinVar aggregate classification (germline): Uncertain significance (1 of 4 stars; one submission).

Conditions:
Inborn genetic diseases. Identifiers: MedGen C0950123, MeSH D030342.

gnomAD v4.1: 4 of 1,613,584 alleles (0.00025%); highest among the groups gnomAD compares: African/African-American, 0.004%; no homozygotes.

Submission:

Ambry Genetics
Classification: Uncertain significance for Inborn genetic diseases. Last evaluated: 2025-07-12. Review status: criteria provided, single submitter. Criteria: Ambry Variant Classification Scheme 2023. Collection method: clinical testing. Allele origin: germline.
Comment: The p.A819V variant (also known as c.2456C>T), located in coding exon 1 of the SAMD9 gene, results from a C to T substitution at nucleotide position 2456. The alanine at codon 819 is replaced by valine, an amino acid with similar properties. This amino acid position is conserved. In addition, this alteration is predicted to be tolerated by in silico analysis. Based on the available evidence, the clinical significance of this variant remains unclear.

NM_017654.4(SAMD9):c.2456C>T (p.Ala819Val)

Gene: SAMD9 (sterile alpha motif domain containing 9; minus strand). Cytogenetic location: 7q21.2.
Variant type: single nucleotide variant.
Coding change: c.2456C>T on transcript NM_017654.4 (MANE Select); coding-DNA position 2456, C replaced by T.
Protein change: p.Ala819Val; replaces alanine 819 with valine.
Molecular consequence: missense variant.
Genome position (GRCh38, 1-based): chr7:93,103,642, G>A on the plus strand (C>T on the coding strand, the complement: SAMD9 is on the minus strand). VCF-style: chr7-93103642-G-A. GRCh37 (hg19) VCF-style: chr7-92732955-G-A.
Other names: c.2456C>T, p.Ala819Val (NM_001193307.2); short protein forms A819V.
Identifiers: ClinVar variation 4159077 (VCV004159077.1).